The following is an entry in ClinVar:

NM_022436.3(ABCG5):c.1324+22G>A

Genes: ABCG5 (ATP binding cassette subfamily G member 5; minus strand), DYNC2LI1 (dynein cytoplasmic 2 light intermediate chain 1; plus strand). Cytogenetic location: 2p21.
Variant type: single nucleotide variant.
Coding change: c.1324+22G>A on transcript NM_022436.3 (MANE Select); 22 bases into the intron after coding-DNA position 1324, G replaced by A.
Molecular consequence: intron variant.
Genome position (GRCh38, 1-based): chr2:43,823,891, C>T on the plus strand (G>A on the coding strand, the complement: ABCG5 is on the minus strand). VCF-style: chr2-43823891-C-T. GRCh37 (hg19) VCF-style: chr2-44051030-C-T.
Other names: p.?; c.*16-3495C>T (NM_001348913.2, NM_001348912.2).
Identifiers: ClinVar variation 4684561 (VCV004684561.1).

ClinVar aggregate classification (germline): Likely benign (1 of 4 stars; one submission).

gnomAD v4.1: 72 of 1,612,358 alleles (0.0045%); highest among the groups gnomAD compares: African/African-American, 0.084%; no homozygotes.

Submission:

Mayo Clinic Laboratories, Mayo Clinic
Classification: Likely benign. Last evaluated: 2024-12-19. Review status: criteria provided, single submitter. Criteria: ACMG Guidelines, 2015. Collection method: clinical testing. Allele origin: germline. Observed: 2 variant alleles.
Comment: BP4, BP7, PM2_supporting